The following is an entry in ClinVar:

ClinVar aggregate classification (germline): Uncertain significance. Review status: criteria provided, multiple submitters, no conflicts (2 of 4 stars). 5 submissions from 5 submitters: Uncertain significance (3). 2 of the submissions do not count toward it. Last evaluated 2022-05-18.

Conditions:
Leber congenital amaurosis (LCA). Also called: Leber's amaurosis. Identifiers: Orphanet 65, MedGen C0339527, MeSH D057130, MONDO:0018998.
Pigmentary pallidal degeneration (NBIA1). Also called: Neurodegeneration with brain iron accumulation 1; Pantothenate Kinase-Associated Neurodegeneration; Neuroaxonal dystrophy, late infantile; Hallervorden-Spatz disease; PKAN NEUROAXONAL DYSTROPHY, JUVENILE-ONSET; HARP SYNDROME. Identifiers: Orphanet 157850, MedGen C0018523, MONDO:0009319, OMIM 234200.

Allele frequency attached by ClinVar (database versions not stated): gnomAD 0.00001; gnomAD exomes 0.00001; TOPMed 0.00001.
gnomAD v4.1: 15 of 1,614,062 alleles (0.00093%); highest among the groups gnomAD compares: African/African-American, 0.0013%; no homozygotes.

Submissions (5):

Blueprint Genetics
Classification: Uncertain significance. Last evaluated: 2022-05-18. Review status: criteria provided, single submitter. Criteria: ACMG Guidelines, 2015. Collection method: clinical testing. Allele origin: germline.

Labcorp Genetics (formerly Invitae), Labcorp
Classification: Uncertain significance for Pigmentary pallidal degeneration. Last evaluated: 2021-02-05. Review status: criteria provided, single submitter. Criteria: Invitae Variant Classification Sherloc (09022015). Collection method: clinical testing. Allele origin: germline.
Comment: Algorithms developed to predict the effect of missense changes on protein structure and function are either unavailable or do not agree on the potential impact of this missense change (SIFT: "Deleterious"; PolyPhen-2: "Possibly Damaging"; Align-GVGD: "Class C0"). In summary, the available evidence is currently insufficient to determine the role of this variant in disease. Therefore, it has been classified as a Variant of Uncertain Significance. This variant has been observed in individual(s) with clinical features of neurodegeneration with brain iron accumulation (PMID: 16437574, 12510040). This variant is also known as C318Y. ClinVar contains an entry for this variant (Variation ID: 560474). This variant is not present in population databases (ExAC no frequency). This sequence change replaces cysteine with tyrosine at codon 428 of the PANK2 protein (p.Cys428Tyr). The cysteine residue is highly conserved and there is a large physicochemical difference between cysteine and tyrosine.

Eurofins Ntd Llc (ga)
Classification: Uncertain significance. Last evaluated: 2018-05-14. Review status: criteria provided, single submitter. Criteria: EGL ClinVar v180209 classification definitions. Collection method: clinical testing. Allele origin: germline. Observed: 1 variant allele, 1 heterozygote.

Joint Genome Diagnostic Labs from Nijmegen and Maastricht, Radboudumc and MUMC+
Classification: Uncertain significance for Leber congenital amaurosis. Last evaluated: 2016-09-01. Review status: no assertion criteria provided. Collection method: clinical testing. Allele origin: inherited. Affected: yes. Observed: 1 variant allele. Not counted in ClinVar's aggregate classification.

Department of Pathology and Laboratory Medicine, Sinai Health System
Classification: Uncertain significance for Pigmentary pallidal degeneration. Review status: no assertion criteria provided. Collection method: clinical testing. Allele origin: unknown. Affected: yes. Study: The Canadian Open Genetics Repository (COGR). Not counted in ClinVar's aggregate classification.
Comment: The PANK2 p.Cys428Tyr was identified in the literature in a study looking at the structural analysis of catalytic core domains, whereby the variant was predicted to disrupt the core (Hong_2007Â¬Â¨_ 17631502). The variant was also identified in dbSNP (ID: rs1012947103) as â€šÃ„ÃºNAâ€šÃ„Ã¹, but not identified in ClinVar, the 1000 Genomes Project, the NHLBI GO Exome Sequencing Project, the Exome Aggregation Consortium database (August 8, 2016) The p.Cys428 residue is conserved in mammals and four out of five computational analyses (PolyPhen-2, SIFT, AlignGVGD, BLOSUM, MutationTaster) suggest that the Tyr variant may impact the protein; however, this information is not predictive enough to assume pathogenicity. The variant occurs outside of the splicing consensus sequence and in silico or computational prediction software programs (SpliceSiteFinder, MaxEntScan, NNSPLICE, GeneSplicer, HumanSpliceFinder) do not predict a difference in splicing. Two thirds of individuals with the autosomal recessive disease PKAN are compound heterozygotes, with the clinical course of the disease being unpredictable. In summary, based on the above information, the clinical significance of this variant cannot be determined with certainty at this time. This variant is classified as a variant of uncertain significance.

Literature cited by the submitters: PubMed 16437574 (cited by Labcorp Genetics (formerly Invitae), Labcorp); PubMed 12510040 (cited by Labcorp Genetics (formerly Invitae), Labcorp).

NM_001386393.1(PANK2):c.953G>A (p.Cys318Tyr)

Gene: PANK2 (pantothenate kinase 2; plus strand). Cytogenetic location: 20p13.
Variant type: single nucleotide variant.
Coding change: c.953G>A on transcript NM_001386393.1 (MANE Select); coding-DNA position 953, G replaced by A.
Protein change: p.Cys318Tyr; replaces cysteine 318 with tyrosine.
Molecular consequence: missense variant. On other transcripts: 5 prime UTR variant (1), non-coding transcript variant (1).
Genome position (GRCh38, 1-based): chr20:3,912,505, G>A. VCF-style: chr20-3912505-G-A. GRCh37 (hg19) VCF-style: chr20-3893152-G-A.
Other names: c.410G>A, p.Cys137Tyr (NM_001324191.2, NM_024960.6, NM_153640.4); c.-26G>A (NM_001324193.2); c.1283G>A, p.Cys428Tyr (NM_153638.4); short protein forms C428Y, C137Y, C318Y.
Identifiers: ClinVar variation 560474 (VCV000560474.15), dbSNP rs1012947103, ClinGen allele CA311035687.